The following is an entry in ClinVar:

NM_001875.5(CPS1):c.3316T>C (p.Trp1106Arg)

Gene: CPS1 (carbamoyl-phosphate synthase 1; plus strand). Cytogenetic location: 2q34.
Variant type: single nucleotide variant.
Coding change: c.3316T>C on transcript NM_001875.5 (MANE Select); coding-DNA position 3316, T replaced by C.
Protein change: p.Trp1106Arg; replaces tryptophan 1106 with arginine.
Molecular consequence: missense variant. On other transcripts: non-coding transcript variant (2).
Genome position (GRCh38, 1-based): chr2:210,648,037, T>C. VCF-style: chr2-210648037-T-C. GRCh37 (hg19) VCF-style: chr2-211512761-T-C.
Other names: c.3316T>C, p.Trp1106Arg (NM_001122633.3, NM_001369257.1); c.3349T>C, p.Trp1117Arg (NM_001369256.1); short protein forms W1106R, W1117R.
Identifiers: ClinVar variation 1011988 (VCV001011988.8), dbSNP rs1653256261, ClinGen allele CA350436382.

ClinVar aggregate classification (germline): Likely pathogenic (1 of 4 stars; one submission).

Conditions:
Congenital hyperammonemia, type I. Also called: Carbamoyl phosphate synthetase 1 deficiency; Hyperammonemia due to carbamoyl phosphate synthetase 1 deficiency; CPS 1 deficiency; Carbamyl phosphate synthetase (CPS) deficiency; Carbamoyl-phosphate synthase I deficiency; Carbamoyl phosphate synthetase I deficiency disease. Identifiers: Orphanet 147, MedGen C4082171, MONDO:0009376, OMIM 237300.

Allele frequency attached by ClinVar (database versions not stated): TOPMed below 0.00001.

Submission:

Labcorp Genetics (formerly Invitae), Labcorp
Classification: Likely pathogenic for Congenital hyperammonemia, type I. Last evaluated: 2025-09-02. Review status: criteria provided, single submitter. Criteria: Invitae Variant Classification Sherloc (09022015). Collection method: clinical testing. Allele origin: germline.
Comment: This sequence change replaces tryptophan, which is neutral and slightly polar, with arginine, which is basic and polar, at codon 1106 of the CPS1 protein (p.Trp1106Arg). This variant is not present in population databases (gnomAD no frequency). This missense change has been observed in individual(s) with clinical features of CPS1 deficiency (internal data). In at least one individual the data is consistent with being in trans (on the opposite chromosome) from a pathogenic variant. ClinVar contains an entry for this variant (Variation ID: 1011988). Invitae Evidence Modeling of protein sequence and biophysical properties (such as structural, functional, and spatial information, amino acid conservation, physicochemical variation, residue mobility, and thermodynamic stability) indicates that this missense variant is expected to disrupt CPS1 protein function with a positive predictive value of 95%. In summary, the currently available evidence indicates that the variant is pathogenic, but additional data are needed to prove that conclusively. Therefore, this variant has been classified as Likely Pathogenic.